The following is an entry in ClinVar:

ClinVar aggregate classification (germline): Uncertain significance (1 of 4 stars; one submission).

Conditions:
Dilated cardiomyopathy 1G (CMD1G). Identifiers: Orphanet 154, MedGen C1858763, MONDO:0011400, OMIM 604145.
Autosomal recessive limb-girdle muscular dystrophy type 2J (LGMDR10). Also called: Limb-girdle muscular dystrophy, type 2J; MUSCULAR DYSTROPHY, LIMB-GIRDLE, AUTOSOMAL RECESSIVE 10. Identifiers: Orphanet 140922, MedGen C1837342, MONDO:0012127, OMIM 608807.

Submission:

Labcorp Genetics (formerly Invitae), Labcorp
Classification: Uncertain significance for Dilated cardiomyopathy 1G; Autosomal recessive limb-girdle muscular dystrophy type 2J. Last evaluated: 2022-03-08. Review status: criteria provided, single submitter. Criteria: Invitae Variant Classification Sherloc (09022015). Collection method: clinical testing. Allele origin: germline.
Comment: In summary, the available evidence is currently insufficient to determine the role of this variant in disease. Therefore, it has been classified as a Variant of Uncertain Significance. This variant is located in the M band of TTN (PMID: 25589632). Variants in this region may be relevant for neuromuscular disorders, but have not been definitively shown to cause cardiomyopathy (PMID: 23975875). Experimental studies and prediction algorithms are not available or were not evaluated, and the functional significance of this variant is currently unknown. This variant has not been reported in the literature in individuals affected with TTN-related conditions. This variant is not present in population databases (gnomAD no frequency). This sequence change replaces valine, which is neutral and non-polar, with aspartic acid, which is acidic and polar, at codon 33991 of the TTN protein (p.Val33991Asp).

Literature cited by the submitters: PubMed 25589632; PubMed 23975875.

NM_001267550.2(TTN):c.101972T>A (p.Val33991Asp)

Genes: TTN-AS1 (TTN antisense RNA 1; plus strand), TTN (titin; minus strand). Cytogenetic location: 2q31.2.
Variant type: single nucleotide variant.
Coding change: c.101972T>A on transcript NM_001267550.2 (MANE Select); coding-DNA position 101972, T replaced by A.
Protein change: p.Val33991Asp; replaces valine 33991 with aspartic acid.
Molecular consequence: missense variant.
Genome position (GRCh38, 1-based): chr2:178,534,643, A>T on the plus strand (T>A on the coding strand, the complement: TTN is on the minus strand). VCF-style: chr2-178534643-A-T. GRCh37 (hg19) VCF-style: chr2-179399370-A-T.
Other names: c.97049T>A, p.Val32350Asp (NM_001256850.1); c.74777T>A, p.Val24926Asp (NM_003319.4); c.94268T>A, p.Val31423Asp (NM_133378.4); c.75152T>A, p.Val25051Asp (NM_133432.3); c.75353T>A, p.Val25118Asp (NM_133437.4); short protein forms V32350D, V24926D, V31423D, V33991D, V25118D, V25051D.
Identifiers: ClinVar variation 2056268 (VCV002056268.4), dbSNP rs2468543398, ClinGen allele CA349418714.
Genomic context (GRCh38, chr2:178,534,643, plus strand): 5'-CCACTCAATAGCACATATACCAGTGTTCCAAGTGACCACATGTCTGTGGCTGTGCTGACA[A>T]CATCATGCTGGTGGACTTCAGGTGCATAGTATTCTGGGGCAGTGAATAGAAGCCTGAAGT-3'
Protein context (NP_001254479.2, residues 33981-34001): YYAPEVHQHD[Val33991Asp]VSTATDMWSL